The following is an entry in ClinVar:

ClinVar aggregate classification (germline): Uncertain significance (1 of 4 stars; one submission).

Submission:

Labcorp Genetics (formerly Invitae), Labcorp
Classification: Uncertain significance. Last evaluated: 2022-02-19. Review status: criteria provided, single submitter. Criteria: Invitae Variant Classification Sherloc (09022015). Collection method: clinical testing. Allele origin: germline.
Comment: Algorithms developed to predict the effect of missense changes on protein structure and function are either unavailable or do not agree on the potential impact of this missense change (SIFT: "Deleterious"; PolyPhen-2: "Possibly Damaging"; Align-GVGD: "Class C0"). This variant has not been reported in the literature in individuals affected with ADGRV1-related conditions. This variant is not present in population databases (gnomAD no frequency). This sequence change replaces lysine, which is basic and polar, with glutamic acid, which is acidic and polar, at codon 527 of the ADGRV1 protein (p.Lys527Glu). In summary, the available evidence is currently insufficient to determine the role of this variant in disease. Therefore, it has been classified as a Variant of Uncertain Significance.

NM_032119.4(ADGRV1):c.1579A>G (p.Lys527Glu)

Gene: ADGRV1 (adhesion G protein-coupled receptor V1; plus strand). Cytogenetic location: 5q14.3.
Variant type: single nucleotide variant.
Coding change: c.1579A>G on transcript NM_032119.4 (MANE Select); coding-DNA position 1579, A replaced by G.
Protein change: p.Lys527Glu; replaces lysine 527 with glutamic acid.
Molecular consequence: missense variant. On other transcripts: non-coding transcript variant (1).
Genome position (GRCh38, 1-based): chr5:90,629,279, A>G. VCF-style: chr5-90629279-A-G. GRCh37 (hg19) VCF-style: chr5-89925096-A-G.
Other names: short protein forms K527E.
Identifiers: ClinVar variation 2099644 (VCV002099644.4), dbSNP rs2531839788, ClinGen allele CA360373434.
Genomic context (GRCh38, chr5:90,629,279, plus strand): 5'-TACATTCAGGATAGTGATGATGTCTATGGCCTAATAACATTTTTTCCTATGGAAAACCAG[A>G]AGATTGAAAGCAGCCCAGGTGAACGATACTTATCCTTGAGTTTTACAAGACTAGGAGGGA-3'
Protein context (NP_115495.3, residues 517-537): LITFFPMENQ[Lys527Glu]IESSPGERYL